The following is an entry in ClinVar:

ClinVar aggregate classification (germline): Likely benign. Review status: criteria provided, multiple submitters, no conflicts (2 of 4 stars). 2 submissions from 2 submitters: Likely benign (2). Last evaluated 2026-01-01.

Conditions:
Fanconi anemia (FA). Also called: Fanconi's anemia. Identifiers: Orphanet 84, MedGen C0015625, MeSH D005199, MONDO:0019391.

gnomAD v4.1: 1 of 1,611,056 alleles (0.000062%); highest among the groups gnomAD compares: East Asian, 0.0022%; no homozygotes.

Submissions (2):

CeGaT Center for Human Genetics Tuebingen
Classification: Likely benign. Last evaluated: 2026-01-01. Review status: criteria provided, single submitter. Criteria: CeGaT Center For Human Genetics Tuebingen Variant Classification Criteria Version 2. Collection method: clinical testing. Allele origin: germline. Affected: yes. Observed: 1 variant allele.
Comment: FANCM: BP4, BP7

Labcorp Genetics (formerly Invitae), Labcorp
Classification: Likely benign for Fanconi anemia. Last evaluated: 2024-11-14. Review status: criteria provided, single submitter. Criteria: Invitae Variant Classification Sherloc (09022015). Collection method: clinical testing. Allele origin: germline.

NM_020937.4(FANCM):c.1854C>G (p.Val618=)

Gene: FANCM (FA complementation group M; plus strand). Cytogenetic location: 14q21.2.
Variant type: single nucleotide variant.
Coding change: c.1854C>G on transcript NM_020937.4 (MANE Select); coding-DNA position 1854, C replaced by G.
Protein change: p.Val618=; no amino-acid change (valine 618 retained).
Molecular consequence: synonymous variant.
Genome position (GRCh38, 1-based): chr14:45,167,015, C>G. VCF-style: chr14-45167015-C-G. GRCh37 (hg19) VCF-style: chr14-45636218-C-G.
Other names: c.1776C>G, p.Val592= (NM_001308133.2); c.1854C>G, p.Val618= (NM_001308134.2).
Identifiers: ClinVar variation 3723343 (VCV003723343.6).